The following is an entry in ClinVar:

NM_006231.4(POLE):c.1514T>C (p.Leu505Pro)

Gene: POLE (DNA polymerase epsilon, catalytic subunit; minus strand). Cytogenetic location: 12q24.33.
Variant type: single nucleotide variant.
Coding change: c.1514T>C on transcript NM_006231.4 (MANE Select); coding-DNA position 1514, T replaced by C.
Protein change: p.Leu505Pro; replaces leucine 505 with proline.
Molecular consequence: missense variant.
Genome position (GRCh38, 1-based): chr12:132,672,799, A>G on the plus strand (T>C on the coding strand, the complement: POLE is on the minus strand). VCF-style: chr12-132672799-A-G. GRCh37 (hg19) VCF-style: chr12-133249385-A-G.
Other names: short protein forms L505P.
Identifiers: ClinVar variation 3308390 (VCV003308390.3).

ClinVar aggregate classification (germline): Uncertain significance. Review status: criteria provided, multiple submitters, no conflicts (2 of 4 stars). 2 submissions from 2 submitters: Uncertain significance (2). Last evaluated 2024-04-27.

Conditions:
Hereditary cancer-predisposing syndrome. Also called: Neoplastic Syndromes, Hereditary; Tumor predisposition; Hereditary neoplastic syndrome; Hereditary Cancer Syndrome. Identifiers: Orphanet 140162, MedGen C0027672, MeSH D009386, MONDO:0015356.

Submissions (2):

Labcorp Genetics (formerly Invitae), Labcorp
Classification: Uncertain significance. Last evaluated: 2024-04-27. Review status: criteria provided, single submitter. Criteria: Invitae Variant Classification Sherloc (09022015). Collection method: clinical testing. Allele origin: germline.
Comment: This sequence change replaces leucine, which is neutral and non-polar, with proline, which is neutral and non-polar, at codon 505 of the POLE protein (p.Leu505Pro). This variant is not present in population databases (gnomAD no frequency). This variant has not been reported in the literature in individuals affected with POLE-related conditions. Advanced modeling of protein sequence and biophysical properties (such as structural, functional, and spatial information, amino acid conservation, physicochemical variation, residue mobility, and thermodynamic stability) performed at Invitae indicates that this missense variant is expected to disrupt POLE protein function with a positive predictive value of 80%. In summary, the available evidence is currently insufficient to determine the role of this variant in disease. Therefore, it has been classified as a Variant of Uncertain Significance.

Ambry Genetics
Classification: Uncertain significance for Hereditary cancer-predisposing syndrome. Last evaluated: 2024-04-25. Review status: criteria provided, single submitter. Criteria: Ambry Variant Classification Scheme 2023. Collection method: clinical testing. Allele origin: germline.
Comment: The p.L505P variant (also known as c.1514T>C), located in coding exon 15 of the POLE gene, results from a T to C substitution at nucleotide position 1514. The leucine at codon 505 is replaced by proline, an amino acid with similar properties. This amino acid position is conserved. In addition, this alteration is predicted to be deleterious by in silico analysis. Based on the available evidence, the clinical significance of this variant remains unclear.